The following is an entry in ClinVar:

NM_001145308.5(LRTOMT):c.650G>A (p.Arg217Gln)

Genes: ANAPC15 (anaphase promoting complex subunit 15; minus strand), LRTOMT (leucine rich transmembrane and O-methyltransferase domain containing; plus strand), TOMT (transmembrane O-methyltransferase; plus strand). Cytogenetic location: 11q13.4.
Variant type: single nucleotide variant.
Coding change: c.650G>A on transcript NM_001145308.5; coding-DNA position 650, G replaced by A.
Protein change: p.Arg217Gln; replaces arginine 217 with glutamine.
Molecular consequence: missense variant. On other transcripts: 3 prime UTR variant (3), non-coding transcript variant (1), intron variant (7).
Genome position (GRCh38, 1-based): chr11:72,108,699, G>A. VCF-style: chr11-72108699-G-A. GRCh37 (hg19) VCF-style: chr11-71819745-G-A.
Other names: c.551G>A, p.Arg184Gln (NM_001393500.2); c.650G>A, p.Arg217Gln (NM_001145309.4); c.530G>A, p.Arg177Gln (NM_001145310.4); c.*120C>T (NM_001393443.1, NM_001393444.1, NM_001393445.1); c.64-1094C>T (NM_001393459.1); c.319-1094C>T (NM_001393430.1, NM_001393429.1, NM_001393428.1 and 3 more transcripts); short protein forms R217Q, R177Q, R184Q.
Identifiers: ClinVar variation 883718 (VCV000883718.14), dbSNP rs372524977, ClinGen allele CA6168636.

ClinVar aggregate classification (germline): Uncertain significance. Review status: criteria provided, multiple submitters, no conflicts (2 of 4 stars). 4 submissions from 4 submitters: Uncertain significance (4). Last evaluated 2024-08-08.

Conditions:
Inborn genetic diseases. Identifiers: MedGen C0950123, MeSH D030342.
Autosomal recessive nonsyndromic hearing loss 63. Identifiers: Orphanet 90636, MedGen C1969621, MONDO:0012670, OMIM 611451.

Allele frequency attached by ClinVar (database versions not stated): ExAC 0.00007; 1000 Genomes Project 0.00020; ESP Exome Variant Server 0.00022; gnomAD exomes 0.00009; 1000 Genomes Project 30x 0.00016; TOPMed 0.00042.
gnomAD v4.1: 123 of 1,546,972 alleles (0.008%); highest among the groups gnomAD compares: African/African-American, 0.086%; no homozygotes.

Submissions (4):

GeneDx
Classification: Uncertain significance. Last evaluated: 2024-08-08. Review status: criteria provided, single submitter. Criteria: GeneDx Variant Classification Process June 2021. Collection method: clinical testing. Allele origin: germline. Affected: yes.
Comment: In silico analysis indicates that this missense variant does not alter protein structure/function; Has not been previously published as pathogenic or benign to our knowledge

Ambry Genetics
Classification: Uncertain significance for Inborn genetic diseases. Last evaluated: 2024-01-23. Review status: criteria provided, single submitter. Criteria: Ambry Variant Classification Scheme 2023. Collection method: clinical testing. Allele origin: germline.

Labcorp Genetics (formerly Invitae), Labcorp
Classification: Uncertain significance. Last evaluated: 2022-08-23. Review status: criteria provided, single submitter. Criteria: Invitae Variant Classification Sherloc (09022015). Collection method: clinical testing. Allele origin: germline.
Comment: In summary, the available evidence is currently insufficient to determine the role of this variant in disease. Therefore, it has been classified as a Variant of Uncertain Significance. Algorithms developed to predict the effect of missense changes on protein structure and function output the following: SIFT: "Tolerated"; PolyPhen-2: "Benign"; Align-GVGD: "Class C0". The glutamine amino acid residue is found in multiple mammalian species, which suggests that this missense change does not adversely affect protein function. This variant has not been reported in the literature in individuals affected with LRTOMT-related conditions. ClinVar contains an entry for this variant (Variation ID: 883718). This variant is present in population databases (rs372524977, gnomAD 0.1%). This sequence change replaces arginine, which is basic and polar, with glutamine, which is neutral and polar, at codon 217 of the LRTOMT protein (p.Arg217Gln).

Illumina Laboratory Services, Illumina
Classification: Uncertain significance for Autosomal recessive nonsyndromic hearing loss 63. Last evaluated: 2018-01-12. Review status: criteria provided, single submitter. Criteria: ICSL Variant Classification Criteria 13 December 2019. Collection method: clinical testing. Allele origin: germline.